The following is an entry in ClinVar:

NM_014760.4(TATDN2):c.1767G>A (p.Val589=)

Genes: TATDN2 (TatD DNase domain containing 2; plus strand), LOC107303342 (3p25 TatD DNase domain containing 2 Alu-mediated recombination region; plus strand). Cytogenetic location: 3p25.3.
Variant type: single nucleotide variant.
Coding change: c.1767G>A on transcript NM_014760.4 (MANE Select); coding-DNA position 1767, G replaced by A.
Protein change: p.Val589=; no amino-acid change (valine 589 retained).
Molecular consequence: synonymous variant.
Genome position (GRCh38, 1-based): chr3:10,270,949, G>A. VCF-style: chr3-10270949-G-A. GRCh37 (hg19) VCF-style: chr3-10312633-G-A.
Identifiers: ClinVar variation 2653518 (VCV002653518.24), dbSNP rs115984909, ClinGen allele CA2252095.

ClinVar aggregate classification (germline): Likely benign (1 of 4 stars; one submission).

Allele frequency attached by ClinVar (database versions not stated): 1000 Genomes Project 30x 0.00078; 1000 Genomes Project 0.00100; TOPMed 0.00151; ESP Exome Variant Server 0.00154; ExAC 0.00240; gnomAD 0.00243; gnomAD exomes 0.00354.
gnomAD v4.1: 5,437 of 1,613,458 alleles (0.34%); highest among the groups gnomAD compares: Non-Finnish European, 0.39%; 13 homozygotes.

Submission:

CeGaT Center for Human Genetics Tuebingen
Classification: Likely benign. Last evaluated: 2022-03-01. Review status: criteria provided, single submitter. Criteria: CeGaT Center For Human Genetics Tuebingen Variant Classification Criteria Version 2. Collection method: clinical testing. Allele origin: germline. Affected: yes. Observed: 1 variant allele.
Comment: TATDN2: BP4, BP7